The following is an entry in ClinVar:

NM_004036.5(ADCY3):c.2249A>G (p.Asn750Ser)

Gene: ADCY3 (adenylate cyclase 3; minus strand). Cytogenetic location: 2p23.3.
Variant type: single nucleotide variant.
Coding change: c.2249A>G on transcript NM_004036.5 (MANE Select); coding-DNA position 2249, A replaced by G.
Protein change: p.Asn750Ser; replaces asparagine 750 with serine.
Molecular consequence: missense variant. On other transcripts: intron variant (2).
Genome position (GRCh38, 1-based): chr2:24,828,085, T>C on the plus strand (A>G on the coding strand, the complement: ADCY3 is on the minus strand). VCF-style: chr2-24828085-T-C. GRCh37 (hg19) VCF-style: chr2-25050954-T-C.
Other names: c.2249A>G, p.Asn750Ser (NM_001320613.2, NM_001377132.1); c.2315A>G, p.Asn772Ser (NM_001377128.1); c.1526A>G, p.Asn509Ser (NM_001377131.1); c.2172+2624A>G (NM_001377130.1); c.2173-62A>G (NM_001377129.1); short protein forms N509S, N750S, N772S.
Identifiers: ClinVar variation 2632537 (VCV002632537.2), dbSNP rs146981649, ClinGen allele CA1553821.
Genomic context (GRCh38, chr2:24,828,085, plus strand): 5'-TGCACCAGCATGATGGTGGCGATGAGGGACAGCACGGCCACATAGTTGTAATACTTGGGG[T>C]TCTCCAGGCAGCTGCCCTCCGTTTCCATCCCTGCCGTTGCATTGCTGGGTCCCGTGTAGT-3'
Protein context (NP_004027.2, residues 740-760): GMETEGSCLE[Asn750Ser]PKYYNYVAVL

ClinVar aggregate classification (germline): Uncertain significance (0 of 4 stars; one submission).

Conditions:
ADCY3-related disorder. Also called: ADCY3-related condition.

Allele frequency attached by ClinVar (database versions not stated): TOPMed 0.00007; gnomAD exomes 0.00010; ExAC 0.00012; ESP Exome Variant Server 0.00015; gnomAD 0.00017.
gnomAD v4.1: 170 of 1,613,998 alleles (0.011%); highest among the groups gnomAD compares: Non-Finnish European, 0.0097%; 1 homozygote.

Submission:

PreventionGenetics, part of Exact Sciences
Classification: Uncertain significance for ADCY3-related condition. Last evaluated: 2024-06-04. Review status: no assertion criteria provided. Collection method: clinical testing. Allele origin: germline.
Comment: The ADCY3 c.2249A>G variant is predicted to result in the amino acid substitution p.Asn750Ser. This variant is also known as NM_004036:c.2249A>G (p.Asn750Ser). To our knowledge, this variant has not been reported in the literature. This variant is reported in 0.072% of alleles in individuals of European (Finnish) descent in gnomAD, which may be too common to be a primary cause of disease. Although we suspect this variant may be benign, at this time its clinical significance is uncertain due to the absence of conclusive functional and genetic evidence.